The following is an entry in ClinVar:

ClinVar aggregate classification (germline): Uncertain significance (1 of 4 stars; one submission).

Submission:

Labcorp Genetics (formerly Invitae), Labcorp
Classification: Uncertain significance. Last evaluated: 2025-11-04. Review status: criteria provided, single submitter. Criteria: Invitae Variant Classification Sherloc (09022015). Collection method: clinical testing. Allele origin: germline.
Comment: This sequence change replaces glutamine, which is neutral and polar, with histidine, which is basic and polar, at codon 903 of the MCM2 protein (p.Gln903His). This variant is not present in population databases (gnomAD no frequency). This variant has not been reported in the literature in individuals affected with MCM2-related conditions. An algorithm developed to predict the effect of missense changes on protein structure and function (PolyPhen-2) suggests that this variant is likely to be tolerated. In summary, the available evidence is currently insufficient to determine the role of this variant in disease. Therefore, it has been classified as a Variant of Uncertain Significance.

NM_004526.4(MCM2):c.2709G>C (p.Gln903His)

Genes: MCM2 (minichromosome maintenance complex component 2; plus strand), LOC107986126 (uncharacterized LOC107986126; minus strand). Cytogenetic location: 3q21.3.
Variant type: single nucleotide variant.
Coding change: c.2709G>C on transcript NM_004526.4 (MANE Select); coding-DNA position 2709, G replaced by C.
Protein change: p.Gln903His; replaces glutamine 903 with histidine.
Molecular consequence: missense variant. On other transcripts: non-coding transcript variant (1).
Genome position (GRCh38, 1-based): chr3:127,621,767, G>C. VCF-style: chr3-127621767-G-C. GRCh37 (hg19) VCF-style: chr3-127340610-G-C.
Other names: short protein forms Q903H.
Identifiers: ClinVar variation 4729282 (VCV004729282.1).
Genomic context (GRCh38, chr3:127,621,767, plus strand): 5'-TGAGCTCTTCAGGATGAACAAGTTCAGCCACGACCTGAAAAGGAAAATGATCCTGCAGCA[G>C]TTCTGAGGCCCTATGCCATCCATAAGGATTCCTTGGGATTCTGGTTTGGGGTGGTCAGTG-3'
Protein context (NP_004517.2, residues 893-904): HDLKRKMILQ[Gln903His]F